The following is an entry in ClinVar:

ClinVar aggregate classification (germline): Likely benign. Review status: criteria provided, multiple submitters, no conflicts (2 of 4 stars). 2 submissions from 2 submitters: Likely benign (2). Last evaluated 2024-05-21.

Allele frequency attached by ClinVar (database versions not stated): gnomAD exomes 0.00001 and 0.00002; gnomAD 0.00002; ExAC 0.00003.

Submissions (2):

Labcorp Genetics (formerly Invitae), Labcorp
Classification: Likely benign. Last evaluated: 2024-05-21. Review status: criteria provided, single submitter. Criteria: Invitae Variant Classification Sherloc (09022015). Collection method: clinical testing. Allele origin: germline.

CeGaT Center for Human Genetics Tuebingen
Classification: Likely benign. Last evaluated: 2022-07-01. Review status: criteria provided, single submitter. Criteria: CeGaT Center For Human Genetics Tuebingen Variant Classification Criteria Version 2. Collection method: clinical testing. Allele origin: germline. Affected: yes. Observed: 2 variant alleles.
Comment: NEFH: BP4, BP7

NM_021076.4(NEFH):c.2199C>T (p.Pro733=)

Gene: NEFH (neurofilament heavy chain; plus strand). Cytogenetic location: 22q12.2.
Variant type: single nucleotide variant.
Coding change: c.2199C>T on transcript NM_021076.4 (MANE Select); coding-DNA position 2199, C replaced by T.
Protein change: p.Pro733=; no amino-acid change (proline 733 retained).
Molecular consequence: synonymous variant.
Genome position (GRCh38, 1-based): chr22:29,489,839, C>T. VCF-style: chr22-29489839-C-T. GRCh37 (hg19) VCF-style: chr22-29885828-C-T.
Identifiers: ClinVar variation 1176137 (VCV001176137.40), dbSNP rs766025300, ClinGen allele CA10174372.
Genomic context (GRCh38, chr22:29,489,839, plus strand): 5'-GGAAGAAGCAAAGTCCCCTGAGAAGGCCAAGTCCCCAGTGAAGGAAGAAGCAAAGACCCC[C>T]GAGAAGGCCAAGTCCCCAGTGAAGGAAGAAGCTAAGTCCCCAGAGAAGGCCAAGTCCCCA-3'
Protein context (NP_066554.2, residues 723-743): KSPVKEEAKT[Pro733=]EKAKSPVKEE